The following is an entry in ClinVar:

NM_032776.3(JMJD1C):c.833C>T (p.Thr278Ile)

Gene: JMJD1C (jumonji domain containing 1C; minus strand). Cytogenetic location: 10q21.3.
Variant type: single nucleotide variant.
Coding change: c.833C>T on transcript NM_032776.3 (MANE Select); coding-DNA position 833, C replaced by T.
Protein change: p.Thr278Ile; replaces threonine 278 with isoleucine.
Molecular consequence: missense variant. On other transcripts: 5 prime UTR variant (1), non-coding transcript variant (1).
Genome position (GRCh38, 1-based): chr10:63,215,445, G>A on the plus strand (C>T on the coding strand, the complement: JMJD1C is on the minus strand). VCF-style: chr10-63215445-G-A. GRCh37 (hg19) VCF-style: chr10-64975205-G-A.
Other names: c.287C>T, p.Thr96Ile (NM_001282948.2, NM_001318154.2); c.-32C>T (NM_001318153.2); c.719C>T, p.Thr240Ile (NM_001322252.2); c.176C>T, p.Thr59Ile (NM_001322254.2, NM_001322258.2); short protein forms T240I, T278I, T59I, T96I.
Identifiers: ClinVar variation 3350063 (VCV003350063.1).

ClinVar aggregate classification (germline): Uncertain significance (0 of 4 stars; one submission).

Conditions:
JMJD1C-related disorder. Also called: JMJD1C-related condition.

gnomAD v4.1: 1 of 1,614,002 alleles (0.000062%); highest among the groups gnomAD compares: South Asian, 0.0011%; no homozygotes.

Submission:

PreventionGenetics, part of Exact Sciences
Classification: Uncertain significance for JMJD1C-related condition. Last evaluated: 2024-04-03. Review status: no assertion criteria provided. Collection method: clinical testing. Allele origin: germline.
Comment: The JMJD1C c.833C>T variant is predicted to result in the amino acid substitution p.Thr278Ile. To our knowledge, this variant has not been reported in the literature. This variant is reported in 0.0033% of alleles in individuals of South Asian descent in gnomAD. At this time, the clinical significance of this variant is uncertain due to the absence of conclusive functional and genetic evidence.